The following is an entry in ClinVar:

ClinVar aggregate classification (germline): Likely pathogenic (1 of 4 stars; one submission).

Conditions:
Hereditary cancer-predisposing syndrome. Also called: Neoplastic Syndromes, Hereditary; Tumor predisposition; Hereditary Cancer Syndrome; Hereditary neoplastic syndrome. Identifiers: Orphanet 140162, MedGen C0027672, MeSH D009386, MONDO:0015356.

Submission:

Ambry Genetics
Classification: Likely pathogenic for Hereditary cancer-predisposing syndrome. Last evaluated: 2024-12-03. Review status: criteria provided, single submitter. Criteria: Ambry Variant Classification Scheme 2023. Collection method: clinical testing. Allele origin: germline.
Comment: The c.1847+3A>T intronic variant results from an A to T substitution 3 nucleotides after coding exon 13 in the PTCH1 gene. This variant is considered to be rare based on population cohorts in the Genome Aggregation Database (gnomAD). This nucleotide position is well conserved in available vertebrate species. In silico splice site analysis predicts that this alteration will weaken the native splice donor site. RNA studies have demonstrated that this alteration results in abnormal splicing in the set of samples tested (Ambry internal data). Based on the majority of available evidence to date, this variant is likely to be pathogenic.

NM_000264.5(PTCH1):c.1847+3A>T

Genes: PTCH1 (patched 1; minus strand), LOC100507346 (uncharacterized LOC100507346; plus strand). Cytogenetic location: 9q22.32.
Variant type: single nucleotide variant.
Coding change: c.1847+3A>T on transcript NM_000264.5 (MANE Select); 3 bases into the intron after coding-DNA position 1847, A replaced by T.
Molecular consequence: intron variant. On other transcripts: non-coding transcript variant (1).
Genome position (GRCh38, 1-based): chr9:95,469,810, T>A on the plus strand (A>T on the coding strand, the complement: PTCH1 is on the minus strand). VCF-style: chr9-95469810-T-A. GRCh37 (hg19) VCF-style: chr9-98232092-T-A.
Other names: c.1844+3A>T (NM_001083603.3); c.1649+3A>T (NM_001083602.3); c.1691+3A>T (NM_001354918.2); c.1394+3A>T (NM_001083605.3, NM_001083604.3, NM_001083606.3 and 1 more transcripts).
Identifiers: ClinVar variation 3427343 (VCV003427343.1).